The following is an entry in ClinVar:

ClinVar aggregate classification (germline): Uncertain significance. Review status: criteria provided, multiple submitters, no conflicts (2 of 4 stars). 2 submissions from 2 submitters: Uncertain significance (2). Last evaluated 2025-10-23.

Conditions:
Inborn genetic diseases. Identifiers: MedGen C0950123, MeSH D030342.
Jeune thoracic dystrophy. Also called: Short-rib thoracic dysplasia; Jeune syndrome; Infantile thoracic dystrophy; Thoracic pelvic phalangeal dystrophy; Jeune's syndrome; Chondroectodermal dysplasia-like syndrome. Identifiers: Orphanet 474, MedGen C0265275, MONDO:0018770.

gnomAD v4.1: 138 of 1,605,820 alleles (0.0086%); highest among the groups gnomAD compares: Non-Finnish European, 0.011%; no homozygotes.

Submissions (2):

Ambry Genetics
Classification: Uncertain significance for Inborn genetic diseases. Last evaluated: 2025-10-23. Review status: criteria provided, single submitter. Criteria: Ambry Variant Classification Scheme 2023. Collection method: clinical testing. Allele origin: germline.

Labcorp Genetics (formerly Invitae), Labcorp
Classification: Uncertain significance for Jeune thoracic dystrophy. Last evaluated: 2021-11-05. Review status: criteria provided, single submitter. Criteria: Invitae Variant Classification Sherloc (09022015). Collection method: clinical testing. Allele origin: germline.
Comment: This sequence change replaces histidine, which is basic and polar, with arginine, which is basic and polar, at codon 855 of the DYNC2H1 protein (p.His855Arg). This variant is present in population databases (rs762644833, gnomAD 0.006%). This variant has not been reported in the literature in individuals affected with DYNC2H1-related conditions. Advanced modeling of protein sequence and biophysical properties (such as structural, functional, and spatial information, amino acid conservation, physicochemical variation, residue mobility, and thermodynamic stability) performed at Invitae indicates that this missense variant is not expected to disrupt DYNC2H1 protein function. In summary, the available evidence is currently insufficient to determine the role of this variant in disease. Therefore, it has been classified as a Variant of Uncertain Significance.

NM_001377.3(DYNC2H1):c.2564A>G (p.His855Arg)

Gene: DYNC2H1 (dynein cytoplasmic 2 heavy chain 1; plus strand). Cytogenetic location: 11q22.3.
Variant type: single nucleotide variant.
Coding change: c.2564A>G on transcript NM_001377.3 (MANE Select); coding-DNA position 2564, A replaced by G.
Protein change: p.His855Arg; replaces histidine 855 with arginine.
Molecular consequence: missense variant.
Genome position (GRCh38, 1-based): chr11:103,135,938, A>G. VCF-style: chr11-103135938-A-G. GRCh37 (hg19) VCF-style: chr11-103006667-A-G.
Other names: c.2564A>G, p.His855Arg (NM_001080463.2); c.2564A>G (NM_001080463.1); short protein forms H855R.
Identifiers: ClinVar variation 1384312 (VCV001384312.4), dbSNP rs762644833, ClinGen allele CA6253063.